The following is an entry in ClinVar:

NM_006389.5(HYOU1):c.1655G>A (p.Ser552Asn)

Gene: HYOU1 (hypoxia up-regulated 1; minus strand). Cytogenetic location: 11q23.3.
Variant type: single nucleotide variant.
Coding change: c.1655G>A on transcript NM_006389.5 (MANE Select); coding-DNA position 1655, G replaced by A.
Protein change: p.Ser552Asn; replaces serine 552 with asparagine.
Molecular consequence: missense variant.
Genome position (GRCh38, 1-based): chr11:119,051,045, C>T on the plus strand (G>A on the coding strand, the complement: HYOU1 is on the minus strand). VCF-style: chr11-119051045-C-T. GRCh37 (hg19) VCF-style: chr11-118921757-C-T.
Other names: c.1655G>A, p.Ser552Asn (NM_001130991.3, NM_001411041.1); short protein forms S552N.
Identifiers: ClinVar variation 2841400 (VCV002841400.3), dbSNP rs782341506, ClinGen allele CA382936735.
Genomic context (GRCh38, chr11:119,051,045, plus strand): 5'-GGCAGGGCCTGAGCCCCTGCTCTGCACACAGGGTATCCTTTAGCTCTCACCCTGTCTAGA[C>T]TGAGCACGCCACTCTCATCCAGGTTGAAGTGAGCCTTGATGCCCTTGGACTCGTAGTCAG-3'
Protein context (NP_006380.1, residues 542-562): HFNLDESGVL[Ser552Asn]LDRVESVFET

ClinVar aggregate classification (germline): Uncertain significance (1 of 4 stars; one submission).

Allele frequency attached by ClinVar (database versions not stated): TOPMed below 0.00001; gnomAD 0.00001.
gnomAD v4.1: 2 of 1,614,112 alleles (0.00012%); highest among the groups gnomAD compares: East Asian, 0.0022%; no homozygotes.

Submission:

Labcorp Genetics (formerly Invitae), Labcorp
Classification: Uncertain significance. Last evaluated: 2023-02-27. Review status: criteria provided, single submitter. Criteria: Invitae Variant Classification Sherloc (09022015). Collection method: clinical testing. Allele origin: germline.
Comment: This variant has not been reported in the literature in individuals affected with HYOU1-related conditions. This variant is not present in population databases (gnomAD no frequency). This sequence change replaces serine, which is neutral and polar, with asparagine, which is neutral and polar, at codon 552 of the HYOU1 protein (p.Ser552Asn). An algorithm developed to predict the effect of missense changes on protein structure and function (PolyPhen-2) suggests that this variant is likely to be tolerated. In summary, the available evidence is currently insufficient to determine the role of this variant in disease. Therefore, it has been classified as a Variant of Uncertain Significance.